The following is an entry in ClinVar:

ClinVar aggregate classification (germline): Likely benign (1 of 4 stars; one submission).

gnomAD v4.1: 2,883 of 1,083,428 alleles (0.27%); highest among the groups gnomAD compares: Middle Eastern, 1.1%; 17 homozygotes.

Submission:

CeGaT Center for Human Genetics Tuebingen
Classification: Likely benign. Last evaluated: 2026-04-01. Review status: criteria provided, single submitter. Criteria: CeGaT Center For Human Genetics Tuebingen Variant Classification Criteria Version 2. Collection method: clinical testing. Allele origin: germline. Affected: yes. Observed: 11 variant alleles.
Comment: RNU7-1: BS2

NC_000012.12:g.6943765T>C

Genes: C12orf57 (chromosome 12 open reading frame 57; plus strand), RNU7-1 (RNA, U7 small nuclear 1; plus strand). Cytogenetic location: 12p13.31.
Variant type: single nucleotide variant.
Molecular consequence: intron variant (on NM_001301836.2).
Genome position: GRCh38 VCF-style: chr12-6943765-T-C. GRCh37 (hg19) VCF-style: chr12-7052928-T-C.
Other names: c.13+103T>C (NM_001301836.2); c.-16+103T>C (NM_001301834.1).
Identifiers: ClinVar variation 4083554 (VCV004083554.8).